The following is an entry in ClinVar:

NM_004360.5(CDH1):c.996G>C (p.Gly332=)

Gene: CDH1 (cadherin 1; plus strand). Cytogenetic location: 16q22.1.
Variant type: single nucleotide variant.
Coding change: c.996G>C on transcript NM_004360.5 (MANE Select); coding-DNA position 996, G replaced by C.
Protein change: p.Gly332=; no amino-acid change (glycine 332 retained).
Molecular consequence: synonymous variant. On other transcripts: 5 prime UTR variant (2).
Genome position (GRCh38, 1-based): chr16:68,811,847, G>C. VCF-style: chr16-68811847-G-C. GRCh37 (hg19) VCF-style: chr16-68845750-G-C.
Other names: c.996G>C, p.Gly332= (NM_001317184.2); c.-620G>C (NM_001317185.2); c.-824G>C (NM_001317186.2).
Identifiers: ClinVar variation 926546 (VCV000926546.14), dbSNP rs876658414, ClinGen allele CA283300344.
Genomic context (GRCh38, chr16:68,811,847, plus strand): 5'-TGACAAAAATATGTTCACCATTAACAGGAACACAGGAGTCATCAGTGTGGTCACCACTGG[G>C]CTGGACCGAGAGGTCAGGGGTCAGGAGGATCCAGAGGGTGTGGAGGACAAATGTGTATTA-3'
Protein context (NP_004351.1, residues 322-342): NTGVISVVTT[Gly332=]LDRESFPTYT

ClinVar aggregate classification (germline): Benign/Likely benign. Review status: criteria provided, multiple submitters, no conflicts (2 of 4 stars). 4 submissions from 4 submitters: Benign (1); Likely benign (3). Last evaluated 2025-10-17.

Conditions:
Hereditary diffuse gastric adenocarcinoma (HDGC). Also called: DIFFUSE GASTRIC AND LOBULAR BREAST CANCER SYNDROME. Identifiers: Orphanet 26106, MedGen C1708349, MONDO:0007648, OMIM 137215.
Hereditary cancer-predisposing syndrome. Also called: Tumor predisposition; Hereditary neoplastic syndrome; Neoplastic Syndromes, Hereditary; Hereditary Cancer Syndrome. Identifiers: Orphanet 140162, MedGen C0027672, MeSH D009386, MONDO:0015356.

Allele frequency attached by ClinVar (database versions not stated): gnomAD exomes below 0.00001.
gnomAD v4.1: 1 of 1,614,146 alleles (0.000062%); highest among the groups gnomAD compares: East Asian, 0.0022%; no homozygotes.

Submissions (4):

Labcorp Genetics (formerly Invitae), Labcorp
Classification: Likely benign for Hereditary diffuse gastric adenocarcinoma. Last evaluated: 2025-10-17. Review status: criteria provided, single submitter. Criteria: Invitae Variant Classification Sherloc (09022015). Collection method: clinical testing. Allele origin: germline.

Myriad Genetics, Inc.
Classification: Benign for Hereditary diffuse gastric adenocarcinoma. Last evaluated: 2024-09-17. Review status: criteria provided, single submitter. Criteria: Myriad Autosomal Dominant, Autosomal Recessive and X-Linked Classification Criteria (2023). Collection method: clinical testing. Allele origin: unknown.
Comment: This variant is considered benign. This variant is a silent/synonymous amino acid change and it is not expected to impact splicing.

Ambry Genetics
Classification: Likely benign for Hereditary cancer-predisposing syndrome. Last evaluated: 2020-07-09. Review status: criteria provided, single submitter. Criteria: Ambry Variant Classification Scheme 2023. Collection method: clinical testing. Allele origin: germline.

Color Diagnostics, LLC DBA Color Health
Classification: Likely benign for Hereditary cancer-predisposing syndrome. Last evaluated: 2018-06-12. Review status: criteria provided, single submitter. Criteria: ACMG Guidelines, 2015. Collection method: clinical testing. Allele origin: germline.